The following is an entry in ClinVar:

ClinVar aggregate classification (germline): Uncertain significance (1 of 4 stars; one submission).

Allele frequency attached by ClinVar (database versions not stated): gnomAD exomes below 0.00001; TOPMed below 0.00001.
gnomAD v4.1: 1 of 1,613,632 alleles (0.000062%); highest among the groups gnomAD compares: African/African-American, 0.0013%; no homozygotes.

Submission:

GeneDx
Classification: Uncertain significance. Last evaluated: 2019-10-02. Review status: criteria provided, single submitter. Criteria: GeneDx Variant Classification Process June 2021. Collection method: clinical testing. Allele origin: germline. Affected: yes.
Comment: Not observed in large population cohorts (Lek et al., 2016); In silico analysis, which includes protein predictors and evolutionary conservation, supports a deleterious effect; Has not been previously published as pathogenic or benign to our knowledge

NM_003560.4(PLA2G6):c.1988A>T (p.Asp663Val)

Gene: PLA2G6 (phospholipase A2 group VI; minus strand). Cytogenetic location: 22q13.1.
Variant type: single nucleotide variant.
Coding change: c.1988A>T on transcript NM_003560.4 (MANE Select); coding-DNA position 1988, A replaced by T.
Protein change: p.Asp663Val; replaces aspartic acid 663 with valine.
Molecular consequence: missense variant.
Genome position (GRCh38, 1-based): chr22:38,115,573, T>A on the plus strand (A>T on the coding strand, the complement: PLA2G6 is on the minus strand). VCF-style: chr22-38115573-T-A. GRCh37 (hg19) VCF-style: chr22-38511580-T-A.
Other names: c.1826A>T, p.Asp609Val (NM_001004426.3, NM_001199562.3, NM_001349865.2 and 1 more transcripts); c.1988A>T, p.Asp663Val (NM_001349864.2); c.1454A>T, p.Asp485Val (NM_001349867.2); c.1310A>T, p.Asp437Val (NM_001349868.2); c.1292A>T, p.Asp431Val (NM_001349869.2); short protein forms D431V, D437V, D485V, D609V, D663V.
Identifiers: ClinVar variation 1195538 (VCV001195538.2), dbSNP rs2087137622, ClinGen allele CA411524677.